The following is an entry in ClinVar:

NM_015331.3(NCSTN):c.285G>A (p.Met95Ile)

Gene: NCSTN (nicastrin; plus strand). Cytogenetic location: 1q23.2.
Variant type: single nucleotide variant.
Coding change: c.285G>A on transcript NM_015331.3 (MANE Select); coding-DNA position 285, G replaced by A.
Protein change: p.Met95Ile; replaces methionine 95 with isoleucine.
Molecular consequence: missense variant.
Genome position (GRCh38, 1-based): chr1:160,349,093, G>A. VCF-style: chr1-160349093-G-A. GRCh37 (hg19) VCF-style: chr1-160318883-G-A.
Other names: c.225G>A, p.Met75Ile (NM_001290184.2); c.285G>A, p.Met95Ile (NM_001290186.2, NM_001349729.2); short protein forms M75I, M95I.
Identifiers: ClinVar variation 3008681 (VCV003008681.3), dbSNP rs1223845317, ClinGen allele CA343276758.
Genomic context (GRCh38, chr1:160,349,093, plus strand): 5'-AGTAGAGAAAGAGGAGGACCTACAGTGGGTATTGACTGATGGCCCCAACCCCCCTTACAT[G>A]GTTCTGCTGGAGAGCAAGCATTTTACCAGGTAAGAACTAGATGTATCTGCTGGGAAAACA-3'
Protein context (NP_056146.1, residues 85-105): VLTDGPNPPY[Met95Ile]VLLESKHFTR

ClinVar aggregate classification (germline): Uncertain significance (1 of 4 stars; one submission).

Allele frequency attached by ClinVar (database versions not stated): TOPMed below 0.00001; gnomAD exomes 0.00001.
gnomAD v4.1: 8 of 1,614,134 alleles (0.0005%); highest among the groups gnomAD compares: African/African-American, 0.0013%; no homozygotes.

Submission:

Labcorp Genetics (formerly Invitae), Labcorp
Classification: Uncertain significance. Last evaluated: 2022-10-28. Review status: criteria provided, single submitter. Criteria: Invitae Variant Classification Sherloc (09022015). Collection method: clinical testing. Allele origin: germline.
Comment: This variant is present in population databases (no rsID available, gnomAD 0.007%). This variant has not been reported in the literature in individuals affected with NCSTN-related conditions. Advanced modeling of protein sequence and biophysical properties (such as structural, functional, and spatial information, amino acid conservation, physicochemical variation, residue mobility, and thermodynamic stability) performed at Invitae indicates that this missense variant is not expected to disrupt NCSTN protein function. Algorithms developed to predict the effect of sequence changes on RNA splicing suggest that this variant may disrupt the consensus splice site. In summary, the available evidence is currently insufficient to determine the role of this variant in disease. Therefore, it has been classified as a Variant of Uncertain Significance. This sequence change replaces methionine, which is neutral and non-polar, with isoleucine, which is neutral and non-polar, at codon 95 of the NCSTN protein (p.Met95Ile).